The following is an entry in ClinVar:

ClinVar aggregate classification (germline): Conflicting classifications of pathogenicity. Review status: criteria provided, conflicting classifications (1 of 4 stars). 4 submissions from 4 submitters: Uncertain significance (1); Likely benign (2). 1 of the submissions does not count toward it. Last evaluated 2025-12-20.

Conditions:
BBIP1-related disorder. Also called: BBIP1-related condition.

Allele frequency attached by ClinVar (database versions not stated): gnomAD 0.00003 and 0.00004; gnomAD exomes 0.00005 and 0.00040; TOPMed 0.00015.

Submissions (4):

Labcorp Genetics (formerly Invitae), Labcorp
Classification: Likely benign. Last evaluated: 2025-12-20. Review status: criteria provided, single submitter. Criteria: Invitae Variant Classification Sherloc (09022015). Collection method: clinical testing. Allele origin: germline.

Blueprint Genetics
Classification: Likely benign. Last evaluated: 2024-08-20. Review status: criteria provided, single submitter. Criteria: ACMG Guidelines, 2015. Collection method: clinical testing. Allele origin: germline.

Ambry Genetics
Classification: Uncertain significance. Last evaluated: 2021-12-03. Review status: criteria provided, single submitter. Criteria: Ambry Variant Classification Scheme 2023. Collection method: clinical testing. Allele origin: germline.

PreventionGenetics, part of Exact Sciences
Classification: Likely benign for BBIP1-related condition. Last evaluated: 2022-02-08. Review status: no assertion criteria provided. Collection method: clinical testing. Allele origin: germline. Not counted in ClinVar's aggregate classification.
Comment: This variant is classified as likely benign based on ACMG/AMP sequence variant interpretation guidelines (Richards et al. 2015 PMID: 25741868, with internal and published modifications).

NM_001195305.3(BBIP1):c.127G>A (p.Glu43Lys)

Gene: BBIP1 (BBSome interacting protein 1; minus strand). Cytogenetic location: 10q25.2.
Variant type: single nucleotide variant.
Coding change: c.127G>A on transcript NM_001195305.3 (MANE Select); coding-DNA position 127, G replaced by A.
Protein change: p.Glu43Lys; replaces glutamic acid 43 with lysine.
Molecular consequence: missense variant.
Genome position (GRCh38, 1-based): chr10:110,900,512, C>T on the plus strand (G>A on the coding strand, the complement: BBIP1 is on the minus strand). VCF-style: chr10-110900512-C-T. GRCh37 (hg19) VCF-style: chr10-112660270-C-T.
Other names: c.284G>A, p.Gly95Glu (NM_001195304.2); c.127G>A, p.Glu43Lys (NM_001195306.2); c.52G>A, p.Glu18Lys (NM_001195307.2); c.61G>A, p.Glu21Lys (NM_001243783.3); c.284G>A (NM_001195304.1); c.127G>A (NM_001195306.1); short protein forms E18K, E21K, E43K, G95E.
Identifiers: ClinVar variation 1113438 (VCV001113438.13), dbSNP rs1049860215, ClinGen allele CA213246796.